The following is an entry in ClinVar:

NM_001352754.2(ARMC9):c.1979G>A (p.Arg660Lys)

Gene: ARMC9 (armadillo repeat containing 9; plus strand). Cytogenetic location: 2q37.1.
Variant type: single nucleotide variant.
Coding change: c.1979G>A on transcript NM_001352754.2 (MANE Select); coding-DNA position 1979, G replaced by A.
Protein change: p.Arg660Lys; replaces arginine 660 with lysine.
Molecular consequence: missense variant. On other transcripts: non-coding transcript variant (1).
Genome position (GRCh38, 1-based): chr2:231,345,075, G>A. VCF-style: chr2-231345075-G-A. GRCh37 (hg19) VCF-style: chr2-232209787-G-A.
Other names: c.1979G>A (NM_025139.3); c.1979G>A, p.Arg660Lys (NM_001271466.4, NM_001291656.2, NM_001352755.2 and 2 more transcripts); c.1880G>A, p.Arg627Lys (NM_001352757.2, NM_001352758.2); c.1874G>A, p.Arg625Lys (NM_001352759.2); short protein forms R627K, R625K, R660K.
Identifiers: ClinVar variation 735295 (VCV000735295.34), dbSNP rs201289966, ClinGen allele CA2160560.
Genomic context (GRCh38, chr2:231,345,075, plus strand): 5'-CTAATGTGCAGTGGAGCGGGGATGAGCCCCTGCAAAGGCCCGTCACCCCCGGCGGCCACA[G>A]AAACGGGTACCCAGTGTAAGTCAGGGCTAAAGGAAGCGGGAATTGACTTTCTTAAGCTTT-3'
Protein context (NP_001339683.2, residues 650-670): LQRPVTPGGH[Arg660Lys]NGYPVVEDQH

ClinVar aggregate classification (germline): Likely benign. Review status: criteria provided, multiple submitters, no conflicts (2 of 4 stars). 4 submissions from 4 submitters: Likely benign (4). Last evaluated 2025-12-15.

Conditions:
Inborn genetic diseases. Identifiers: MedGen C0950123, MeSH D030342.

Allele frequency attached by ClinVar (database versions not stated): ESP Exome Variant Server 0.00015; gnomAD 0.00020 and 0.00021; TOPMed 0.00022; gnomAD exomes 0.00023 and 0.00039; ExAC 0.00028.
gnomAD v4.1: 385 of 1,613,628 alleles (0.024%); highest among the groups gnomAD compares: Non-Finnish European, 0.015%; 1 homozygote.

Submissions (4):

Labcorp Genetics (formerly Invitae), Labcorp
Classification: Likely benign. Last evaluated: 2025-12-15. Review status: criteria provided, single submitter. Criteria: Invitae Variant Classification Sherloc (09022015). Collection method: clinical testing. Allele origin: germline.

Blueprint Genetics
Classification: Likely benign. Last evaluated: 2024-10-25. Review status: criteria provided, single submitter. Criteria: ACMG Guidelines, 2015. Collection method: clinical testing. Allele origin: germline.

CeGaT Center for Human Genetics Tuebingen
Classification: Likely benign. Last evaluated: 2022-05-01. Review status: criteria provided, single submitter. Criteria: CeGaT Center For Human Genetics Tuebingen Variant Classification Criteria Version 2. Collection method: clinical testing. Allele origin: germline. Affected: yes. Observed: 1 variant allele.
Comment: ARMC9: BP4, BS2

Ambry Genetics
Classification: Likely benign for Inborn genetic diseases. Last evaluated: 2022-03-10. Review status: criteria provided, single submitter. Criteria: Ambry Variant Classification Scheme 2023. Collection method: clinical testing. Allele origin: germline.